The following is an entry in ClinVar:

ClinVar aggregate classification (germline): Uncertain significance (1 of 4 stars; one submission).

Conditions:
Early-infantile DEE. Also called: Ohtahara syndrome; Early infantile epileptic encephalopathy with suppression bursts; Early infantile epileptic encephalopathy. Identifiers: Orphanet 1934, MedGen C0393706, MONDO:0800491.

Submission:

Labcorp Genetics (formerly Invitae), Labcorp
Classification: Uncertain significance for Early-infantile DEE. Last evaluated: 2023-11-09. Review status: criteria provided, single submitter. Criteria: Invitae Variant Classification Sherloc (09022015). Collection method: clinical testing. Allele origin: germline.
Comment: This sequence change replaces serine, which is neutral and polar, with isoleucine, which is neutral and non-polar, at codon 1722 of the SCN8A protein (p.Ser1722Ile). This variant is not present in population databases (gnomAD no frequency). This variant has not been reported in the literature in individuals affected with SCN8A-related conditions. Advanced modeling of protein sequence and biophysical properties (such as structural, functional, and spatial information, amino acid conservation, physicochemical variation, residue mobility, and thermodynamic stability) performed at Invitae indicates that this missense variant is not expected to disrupt SCN8A protein function with a negative predictive value of 95%. In summary, the available evidence is currently insufficient to determine the role of this variant in disease. Therefore, it has been classified as a Variant of Uncertain Significance.

NM_001330260.2(SCN8A):c.5165G>T (p.Ser1722Ile)

Gene: SCN8A (sodium voltage-gated channel alpha subunit 8; plus strand). Cytogenetic location: 12q13.13.
Variant type: single nucleotide variant.
Coding change: c.5165G>T on transcript NM_001330260.2 (MANE Select); coding-DNA position 5165, G replaced by T.
Protein change: p.Ser1722Ile; replaces serine 1722 with isoleucine.
Molecular consequence: missense variant.
Genome position (GRCh38, 1-based): chr12:51,806,651, G>T. VCF-style: chr12-51806651-G-T. GRCh37 (hg19) VCF-style: chr12-52200435-G-T.
Other names: c.5042G>T, p.Ser1681Ile (NM_001177984.3, NM_001369788.1); c.5165G>T, p.Ser1722Ile (NM_014191.4); short protein forms S1681I, S1722I.
Identifiers: ClinVar variation 2694156 (VCV002694156.3), dbSNP rs2540334349, ClinGen allele CA384884095.
Genomic context (GRCh38, chr12:51,806,651, plus strand): 5'-CAACCTCAGCTGGTTGGGATGGCCTGCTGCTGCCCATCCTAAACCGCCCCCCTGACTGCA[G>T]CCTAGATAAGGAACACCCAGGGAGTGGCTTTAAGGGAGATTGTGGGAACCCCTCAGTGGG-3'
Protein context (NP_001317189.1, residues 1712-1732): LPILNRPPDC[Ser1722Ile]LDKEHPGSGF